The following is an entry in ClinVar:

ClinVar aggregate classification (germline): Pathogenic (1 of 4 stars; one submission).

Conditions:
Granulomatous disease, chronic, X-linked. Also called: GRANULOMATOUS DISEASE, CHRONIC, X-LINKED, SOMATIC MOSAIC; CYTOCHROME b-NEGATIVE GRANULOMATOUS DISEASE, CHRONIC, X-LINKED. Identifiers: Orphanet 379, MedGen C1844376, MONDO:0010600, OMIM 306400.

Submission:

Labcorp Genetics (formerly Invitae), Labcorp
Classification: Pathogenic for Granulomatous disease, chronic, X-linked. Last evaluated: 2023-05-12. Review status: criteria provided, single submitter. Criteria: Invitae Variant Classification Sherloc (09022015). Collection method: clinical testing. Allele origin: germline.
Comment: This sequence change affects a donor splice site in intron 12 of the CYBB gene. While this variant is not anticipated to result in nonsense mediated decay, it likely alters RNA splicing and results in a disrupted protein product. This variant is not present in population databases (gnomAD no frequency). Disruption of this splice site has been observed in individual(s) with chronic granulomatous disease (PMID: 27966181, 29560547). Variants that disrupt the consensus splice site are a relatively common cause of aberrant splicing (PMID: 17576681, 9536098). Algorithms developed to predict the effect of sequence changes on RNA splicing suggest that this variant may disrupt the consensus splice site. This variant disrupts a region of the CYBB protein in which other variant(s) (p.Glu544*) have been determined to be pathogenic (Invitae). This suggests that this is a clinically significant region of the protein, and that variants that disrupt it are likely to be disease-causing. For these reasons, this variant has been classified as Pathogenic.

Literature cited by the submitters: PubMed 27966181; PubMed 29560547; PubMed 17576681; PubMed 9536098.

NM_000397.4(CYBB):c.1586+1G>A

Gene: CYBB (cytochrome b-245 beta chain; plus strand). Cytogenetic location: Xp11.4.
Variant type: single nucleotide variant.
Coding change: c.1586+1G>A on transcript NM_000397.4 (MANE Select); the canonical splice donor site of the intron after coding-DNA position 1586, G replaced by A.
Molecular consequence: splice donor variant.
Genome position (GRCh38, 1-based): chrX:37,809,692, G>A. VCF-style: chrX-37809692-G-A. GRCh37 (hg19) VCF-style: chrX-37668945-G-A.
Identifiers: ClinVar variation 2737191 (VCV002737191.3), dbSNP rs2519213435, ClinGen allele CA412978621.